The following is an entry in ClinVar:

ClinVar aggregate classification (germline): Uncertain significance (1 of 4 stars; one submission).

Allele frequency attached by ClinVar (database versions not stated): ExAC 0.00002; ESP Exome Variant Server 0.00015.
gnomAD v4.1: 16 of 1,614,012 alleles (0.00099%); highest among the groups gnomAD compares: African/African-American, 0.02%; no homozygotes.

Submission:

Labcorp Genetics (formerly Invitae), Labcorp
Classification: Uncertain significance. Last evaluated: 2025-04-28. Review status: criteria provided, single submitter. Criteria: Invitae Variant Classification Sherloc (09022015). Collection method: clinical testing. Allele origin: germline.
Comment: This sequence change replaces valine, which is neutral and non-polar, with isoleucine, which is neutral and non-polar, at codon 1272 of the ADGRA3 protein (p.Val1272Ile). This variant is present in population databases (rs147162304, gnomAD 0.03%). This variant has not been reported in the literature in individuals affected with ADGRA3-related conditions. ClinVar contains an entry for this variant (Variation ID: 1389358). An algorithm developed to predict the effect of missense changes on protein structure and function (PolyPhen-2) suggests that this variant is likely to be tolerated. In summary, the available evidence is currently insufficient to determine the role of this variant in disease. Therefore, it has been classified as a Variant of Uncertain Significance.

NM_145290.4(ADGRA3):c.3814G>A (p.Val1272Ile)

Gene: ADGRA3 (adhesion G protein-coupled receptor A3; minus strand). Cytogenetic location: 4p15.2.
Variant type: single nucleotide variant.
Coding change: c.3814G>A on transcript NM_145290.4 (MANE Select); coding-DNA position 3814, G replaced by A.
Protein change: p.Val1272Ile; replaces valine 1272 with isoleucine.
Molecular consequence: missense variant.
Genome position (GRCh38, 1-based): chr4:22,387,857, C>T on the plus strand (G>A on the coding strand, the complement: ADGRA3 is on the minus strand). VCF-style: chr4-22387857-C-T. GRCh37 (hg19) VCF-style: chr4-22389480-C-T.
Other names: short protein forms V1272I.
Identifiers: ClinVar variation 1389358 (VCV001389358.6), dbSNP rs147162304, ClinGen allele CA2873292.